The following is an entry in ClinVar:

ClinVar aggregate classification (germline): Uncertain significance (1 of 4 stars; one submission).

Submission:

GeneDx
Classification: Uncertain significance. Last evaluated: 2025-03-04. Review status: criteria provided, single submitter. Criteria: GeneDx Variant Classification Process June 2021. Collection method: clinical testing. Allele origin: germline. Affected: yes.
Comment: Not observed at significant frequency in large population cohorts (gnomAD); In silico analysis supports that this missense variant has a deleterious effect on protein structure/function; Has not been previously published as pathogenic or benign to our knowledge

NM_152722.5(HEPACAM):c.97G>C (p.Gly33Arg)

Gene: HEPACAM (hepatic and glial cell adhesion molecule; minus strand). Cytogenetic location: 11q24.2.
Variant type: single nucleotide variant.
Coding change: c.97G>C on transcript NM_152722.5 (MANE Select); coding-DNA position 97, G replaced by C.
Protein change: p.Gly33Arg; replaces glycine 33 with arginine.
Molecular consequence: missense variant.
Genome position (GRCh38, 1-based): chr11:124,925,058, C>G on the plus strand (G>C on the coding strand, the complement: HEPACAM is on the minus strand). VCF-style: chr11-124925058-C-G. GRCh37 (hg19) VCF-style: chr11-124794954-C-G.
Other names: c.97G>C, p.Gly33Arg (NM_001411043.1, NM_001441320.1); short protein forms G33R.
Identifiers: ClinVar variation 4082993 (VCV004082993.1).